The following is an entry in ClinVar:

ClinVar aggregate classification (germline): Uncertain significance (1 of 4 stars; one submission).

Submission:

Labcorp Genetics (formerly Invitae), Labcorp
Classification: Uncertain significance. Last evaluated: 2023-05-14. Review status: criteria provided, single submitter. Criteria: Invitae Variant Classification Sherloc (09022015). Collection method: clinical testing. Allele origin: germline.
Comment: In summary, the available evidence is currently insufficient to determine the role of this variant in disease. Therefore, it has been classified as a Variant of Uncertain Significance. Advanced modeling of protein sequence and biophysical properties (such as structural, functional, and spatial information, amino acid conservation, physicochemical variation, residue mobility, and thermodynamic stability) performed at Invitae indicates that this missense variant is expected to disrupt CYP7A1 protein function. This variant has not been reported in the literature in individuals affected with CYP7A1-related conditions. This variant is not present in population databases (gnomAD no frequency). This sequence change replaces tryptophan, which is neutral and slightly polar, with arginine, which is basic and polar, at codon 284 of the CYP7A1 protein (p.Trp284Arg).

NM_000780.4(CYP7A1):c.850T>A (p.Trp284Arg)

Gene: CYP7A1 (cytochrome P450 family 7 subfamily A member 1; minus strand). Cytogenetic location: 8q12.1.
Variant type: single nucleotide variant.
Coding change: c.850T>A on transcript NM_000780.4 (MANE Select); coding-DNA position 850, T replaced by A.
Protein change: p.Trp284Arg; replaces tryptophan 284 with arginine.
Molecular consequence: missense variant.
Genome position (GRCh38, 1-based): chr8:58,496,662, A>T on the plus strand (T>A on the coding strand, the complement: CYP7A1 is on the minus strand). VCF-style: chr8-58496662-A-T. GRCh37 (hg19) VCF-style: chr8-59409221-A-T.
Other names: short protein forms W284R.
Identifiers: ClinVar variation 2864183 (VCV002864183.3), dbSNP rs2487038051, ClinGen allele CA371293051.
Genomic context (GRCh38, chr8:58,496,662, plus strand): 5'-ACCTAATCATTTGAAATAAACTCCAGAAAGTCGCTGGAATGGTGTTTGCTTGCGATGCCC[A>T]GAGGACCACGAGGTGTGTCTTGGCCTTCTCCAGATCATCAAAGGTGGACAAAGTGTCATT-3'
Protein context (NP_000771.2, residues 274-294): EKAKTHLVVL[Trp284Arg]ASQANTIPAT